The following is an entry in ClinVar:

ClinVar aggregate classification (germline): Likely benign (1 of 4 stars; one submission).

gnomAD v4.1: 1 of 1,613,752 alleles (0.000062%); highest among the groups gnomAD compares: Non-Finnish European, 0.000085%; no homozygotes.

Submission:

CeGaT Center for Human Genetics Tuebingen
Classification: Likely benign. Last evaluated: 2024-08-01. Review status: criteria provided, single submitter. Criteria: CeGaT Center For Human Genetics Tuebingen Variant Classification Criteria Version 2. Collection method: clinical testing. Allele origin: germline. Affected: yes. Observed: 1 variant allele.
Comment: IQSEC1: BP4, BP7

NM_001134382.3(IQSEC1):c.1530C>T (p.Arg510=)

Gene: IQSEC1 (IQ motif and Sec7 domain ArfGEF 1; minus strand). Cytogenetic location: 3p25.2.
Variant type: single nucleotide variant.
Coding change: c.1530C>T on transcript NM_001134382.3 (MANE Select); coding-DNA position 1530, C replaced by T.
Protein change: p.Arg510=; no amino-acid change (arginine 510 retained).
Molecular consequence: synonymous variant.
Genome position (GRCh38, 1-based): chr3:12,935,486, G>A on the plus strand (C>T on the coding strand, the complement: IQSEC1 is on the minus strand). VCF-style: chr3-12935486-G-A. GRCh37 (hg19) VCF-style: chr3-12976986-G-A.
Other names: c.1206C>T, p.Arg402= (NM_001330619.3); c.1854C>T, p.Arg618= (NM_001376938.2); c.1572C>T, p.Arg524= (NM_014869.8).
Identifiers: ClinVar variation 3341849 (VCV003341849.16).